The following is an entry in ClinVar:

ClinVar aggregate classification (germline): Benign. Review status: criteria provided, single submitter (1 of 4 stars). 2 submissions from 2 submitters: Benign (1). 1 of the submissions does not count toward it. Last evaluated 2025-12-18.

Conditions:
C2CD3-related disorder. Also called: C2CD3-related condition.

Allele frequency attached by ClinVar (database versions not stated): gnomAD 0.00003 and 0.00016; TOPMed 0.00007; ESP Exome Variant Server 0.00008; gnomAD exomes 0.00062; ExAC 0.00071; 1000 Genomes Project 30x 0.00156; 1000 Genomes Project 0.00180.
gnomAD v4.1: 431 of 1,611,380 alleles (0.027%); highest among the groups gnomAD compares: South Asian, 0.43%; 4 homozygotes.

Submissions (2):

Labcorp Genetics (formerly Invitae), Labcorp
Classification: Benign. Last evaluated: 2025-12-18. Review status: criteria provided, single submitter. Criteria: Invitae Variant Classification Sherloc (09022015). Collection method: clinical testing. Allele origin: germline.

PreventionGenetics, part of Exact Sciences
Classification: Likely benign for C2CD3-related condition. Last evaluated: 2019-06-27. Review status: no assertion criteria provided. Collection method: clinical testing. Allele origin: germline. Not counted in ClinVar's aggregate classification.
Comment: This variant is classified as likely benign based on ACMG/AMP sequence variant interpretation guidelines (Richards et al. 2015 PMID: 25741868, with internal and published modifications).

NM_001286577.2(C2CD3):c.2562G>A (p.Pro854=)

Gene: C2CD3 (C2 domain containing 3 centriole elongation regulator; minus strand). Cytogenetic location: 11q13.4.
Variant type: single nucleotide variant.
Coding change: c.2562G>A on transcript NM_001286577.2 (MANE Select); coding-DNA position 2562, G replaced by A.
Protein change: p.Pro854=; no amino-acid change (proline 854 retained).
Molecular consequence: synonymous variant.
Genome position (GRCh38, 1-based): chr11:74,103,149, C>T on the plus strand (G>A on the coding strand, the complement: C2CD3 is on the minus strand). VCF-style: chr11-74103149-C-T. GRCh37 (hg19) VCF-style: chr11-73814194-C-T.
Other names: c.2562G>A, p.Pro854= (NM_015531.6); c.2562G>A (NM_015531.5).
Identifiers: ClinVar variation 1666248 (VCV001666248.10), dbSNP rs139855190, ClinGen allele CA6182626.